The following is an entry in ClinVar:

ClinVar aggregate classification (germline): Uncertain significance. Review status: criteria provided, multiple submitters, no conflicts (2 of 4 stars). 4 submissions from 4 submitters: Uncertain significance (4). Last evaluated 2025-08-03.

Conditions:
Inborn genetic diseases. Identifiers: MedGen C0950123, MeSH D030342.
Amelogenesis imperfecta type 1G (AI1G). Also called: ENAMEL-RENAL-GINGIVAL SYNDROME; AMELOGENESIS IMPERFECTA, HYPOPLASTIC, WITH NEPHROCALCINOSIS; AMELOGENESIS IMPERFECTA, TYPE IG; Amelogenesis imperfecta nephrocalcinosis; Enamel renal syndrome; Absent enamel, nephrocalcinosis and apparently normal calcium metabolism. Identifiers: Orphanet 1031, Orphanet 171836, MedGen C2931783, MONDO:0008771, OMIM 204690. Disease mechanism: loss of function.

Allele frequency attached by ClinVar (database versions not stated): gnomAD 0.00005 and 0.00004; TOPMed 0.00005; gnomAD exomes 0.00014; ExAC below 0.00001.
gnomAD v4.1: 30 of 1,546,844 alleles (0.0019%); highest among the groups gnomAD compares: Admixed American, 0.05%; no homozygotes.

Submissions (4):

Ambry Genetics
Classification: Uncertain significance for Inborn genetic diseases. Last evaluated: 2025-08-03. Review status: criteria provided, single submitter. Criteria: Ambry Variant Classification Scheme 2023. Collection method: clinical testing. Allele origin: germline.

Fulgent Genetics
Classification: Uncertain significance for Amelogenesis imperfecta type 1G. Last evaluated: 2024-06-17. Review status: criteria provided, single submitter. Criteria: ACMG Guidelines, 2015. Collection method: clinical testing. Allele origin: germline.

GeneDx
Classification: Uncertain significance. Last evaluated: 2022-01-24. Review status: criteria provided, single submitter. Criteria: GeneDx Variant Classification Process June 2021. Collection method: clinical testing. Allele origin: germline. Affected: yes.
Comment: In silico analysis supports that this missense variant does not alter protein structure/function; Has not been previously published as pathogenic or benign to our knowledge

Labcorp Genetics (formerly Invitae), Labcorp
Classification: Uncertain significance. Last evaluated: 2021-11-17. Review status: criteria provided, single submitter. Criteria: Invitae Variant Classification Sherloc (09022015). Collection method: clinical testing. Allele origin: germline.
Comment: This sequence change replaces arginine, which is basic and polar, with serine, which is neutral and polar, at codon 5 of the FAM20A protein (p.Arg5Ser). This variant is present in population databases (rs766476867, gnomAD 0.08%). This variant has not been reported in the literature in individuals affected with FAM20A-related conditions. ClinVar contains an entry for this variant (Variation ID: 999606). Algorithms developed to predict the effect of missense changes on protein structure and function are either unavailable or do not agree on the potential impact of this missense change (SIFT: "Tolerated"; PolyPhen-2: "Not Available"; Align-GVGD: "Class C0"). In summary, the available evidence is currently insufficient to determine the role of this variant in disease. Therefore, it has been classified as a Variant of Uncertain Significance.

NM_017565.4(FAM20A):c.13C>A (p.Arg5Ser)

Gene: FAM20A (FAM20A golgi associated secretory pathway pseudokinase; minus strand). Cytogenetic location: 17q24.2.
Variant type: single nucleotide variant.
Coding change: c.13C>A on transcript NM_017565.4 (MANE Select); coding-DNA position 13, C replaced by A.
Protein change: p.Arg5Ser; replaces arginine 5 with serine.
Molecular consequence: missense variant. On other transcripts: 5 prime UTR variant (1).
Genome position (GRCh38, 1-based): chr17:68,600,654, G>T on the plus strand (C>A on the coding strand, the complement: FAM20A is on the minus strand). VCF-style: chr17-68600654-G-T. GRCh37 (hg19) VCF-style: chr17-66596795-G-T.
Other names: c.-628C>A (NM_001243746.2); short protein forms R5S.
Identifiers: ClinVar variation 999606 (VCV000999606.9), dbSNP rs766476867, ClinGen allele CA8730200.